The following is an entry in ClinVar:

NM_001943.5(DSG2):c.1199G>A (p.Ser400Asn)

Gene: DSG2 (desmoglein 2; plus strand). Cytogenetic location: 18q12.1.
Variant type: single nucleotide variant.
Coding change: c.1199G>A on transcript NM_001943.5 (MANE Select); coding-DNA position 1199, G replaced by A.
Protein change: p.Ser400Asn; replaces serine 400 with asparagine.
Molecular consequence: missense variant.
Genome position (GRCh38, 1-based): chr18:31,531,171, G>A. VCF-style: chr18-31531171-G-A. GRCh37 (hg19) VCF-style: chr18-29111134-G-A.
Other names: c.1199G>A (NM_001943.3); short protein forms S400N.
Identifiers: ClinVar variation 928034 (VCV000928034.7), dbSNP rs1188569362, ClinGen allele CA402139138.

ClinVar aggregate classification (germline): Uncertain significance. Review status: criteria provided, multiple submitters, no conflicts (2 of 4 stars). 3 submissions from 3 submitters: Uncertain significance (3). Last evaluated 2025-04-30.

Conditions:
Arrhythmogenic right ventricular dysplasia 10. Also called: Arrhythmogenic right ventricular dysplasia/cardiomyopathy, type 10; Arrhythmogenic Right Ventricular Dysplasia/Cardiomyopathy10; ARRHYTHMOGENIC RIGHT VENTRICULAR DYSPLASIA, FAMILIAL, 10. Identifiers: MedGen C1857777, MONDO:0012434, OMIM 610193.
Cardiomyopathy (CMYO). Also called: Cardiomyopathies. Identifiers: Orphanet 167848, MedGen C0878544, MONDO:0004994, HP:0001638. Inheritance: Various modes of inheritance.

Allele frequency attached by ClinVar (database versions not stated): gnomAD exomes below 0.00001 and 0.00001; TOPMed below 0.00001.
gnomAD v4.1: 3 of 1,614,166 alleles (0.00019%); highest among the groups gnomAD compares: Admixed American, 0.0033%; no homozygotes.

Submissions (3):

Labcorp Genetics (formerly Invitae), Labcorp
Classification: Uncertain significance for Arrhythmogenic right ventricular dysplasia 10. Last evaluated: 2025-04-30. Review status: criteria provided, single submitter. Criteria: Invitae Variant Classification Sherloc (09022015). Collection method: clinical testing. Allele origin: germline.
Comment: This sequence change replaces serine, which is neutral and polar, with asparagine, which is neutral and polar, at codon 400 of the DSG2 protein (p.Ser400Asn). This variant is present in population databases (no rsID available, gnomAD 0.006%). This variant has not been reported in the literature in individuals affected with DSG2-related conditions. ClinVar contains an entry for this variant (Variation ID: 928034). Invitae Evidence Modeling of protein sequence and biophysical properties (such as structural, functional, and spatial information, amino acid conservation, physicochemical variation, residue mobility, and thermodynamic stability) indicates that this missense variant is not expected to disrupt DSG2 protein function with a negative predictive value of 95%. In summary, the available evidence is currently insufficient to determine the role of this variant in disease. Therefore, it has been classified as a Variant of Uncertain Significance.

GeneDx
Classification: Uncertain significance. Last evaluated: 2025-02-04. Review status: criteria provided, single submitter. Criteria: GeneDx Variant Classification Process June 2021. Collection method: clinical testing. Allele origin: germline. Affected: yes.
Comment: Has not been previously published as pathogenic or benign to our knowledge; Not observed at significant frequency in large population cohorts (gnomAD); In silico analysis indicates that this missense variant does not alter protein structure/function

Color Diagnostics, LLC DBA Color Health
Classification: Uncertain significance for Cardiomyopathy. Last evaluated: 2024-03-06. Review status: criteria provided, single submitter. Criteria: ACMG Guidelines, 2015. Collection method: clinical testing. Allele origin: germline.
Comment: This missense variant replaces serine with asparagine at codon 400 of the DSG2 protein. Computational prediction suggests that this variant may not impact protein structure and function (internally defined REVEL score threshold <= 0.5, PMID: 27666373). To our knowledge, functional studies have not been reported for this variant. This variant has not been reported in individuals affected with cardiovascular disorders in the literature. This variant has been identified in 2/249394 chromosomes in the general population by the Genome Aggregation Database (gnomAD). The available evidence is insufficient to determine the role of this variant in disease conclusively. Therefore, this variant is classified as a Variant of Uncertain Significance.